The following is an entry in ClinVar:

NM_005235.3(ERBB4):c.3391G>A (p.Asp1131Asn)

Gene: ERBB4 (erb-b2 receptor tyrosine kinase 4; minus strand). Cytogenetic location: 2q34.
Variant type: single nucleotide variant.
Coding change: c.3391G>A on transcript NM_005235.3 (MANE Select); coding-DNA position 3391, G replaced by A.
Protein change: p.Asp1131Asn; replaces aspartic acid 1131 with asparagine.
Molecular consequence: missense variant.
Genome position (GRCh38, 1-based): chr2:211,386,943, C>T on the plus strand (G>A on the coding strand, the complement: ERBB4 is on the minus strand). VCF-style: chr2-211386943-C-T. GRCh37 (hg19) VCF-style: chr2-212251668-C-T.
Other names: c.3343G>A, p.Asp1115Asn (NM_001042599.2); short protein forms D1115N, D1131N.
Identifiers: ClinVar variation 3349307 (VCV003349307.1).
Genomic context (GRCh38, chr2:211,386,943, plus strand): 5'-TGTAACCTTCCTCATCCAGCTCTCCTCGTGGGCTCCGTTCTGGGGCAAACACGGTGGGGT[C>T]AGCACTGTACCTCTGGGTGCTACTGTCCTCTTGGACATGGGGTGCCACTGGCTTGCGTAG-3'
Protein context (NP_005226.1, residues 1121-1141): EDSSTQRYSA[Asp1131Asn]PTVFAPERSP

ClinVar aggregate classification (germline): Uncertain significance (0 of 4 stars; one submission).

Conditions:
ERBB4-related disorder. Also called: ERBB4-related condition.

gnomAD v4.1: 8 of 1,614,110 alleles (0.0005%); highest among the groups gnomAD compares: Non-Finnish European, 0.00059%; no homozygotes.

Submission:

PreventionGenetics, part of Exact Sciences
Classification: Uncertain significance for ERBB4-related condition. Last evaluated: 2023-12-31. Review status: no assertion criteria provided. Collection method: clinical testing. Allele origin: germline.
Comment: The ERBB4 c.3391G>A variant is predicted to result in the amino acid substitution p.Asp1131Asn. To our knowledge, this variant has not been reported in the literature. This variant is reported in 0.0% of alleles in individuals of African descent in gnomAD. At this time, the clinical significance of this variant is uncertain due to the absence of conclusive functional and genetic evidence.